The following is an entry in ClinVar:

NM_005559.4(LAMA1):c.7044C>T (p.Tyr2348=)

Gene: LAMA1 (laminin subunit alpha 1; minus strand). Cytogenetic location: 18p11.31.
Variant type: single nucleotide variant.
Coding change: c.7044C>T on transcript NM_005559.4 (MANE Select); coding-DNA position 7044, C replaced by T.
Protein change: p.Tyr2348=; no amino-acid change (tyrosine 2348 retained).
Molecular consequence: synonymous variant.
Genome position (GRCh38, 1-based): chr18:6,966,153, G>A on the plus strand (C>T on the coding strand, the complement: LAMA1 is on the minus strand). VCF-style: chr18-6966153-G-A. GRCh37 (hg19) VCF-style: chr18-6966152-G-A.
Identifiers: ClinVar variation 2672718 (VCV002672718.24), dbSNP rs550354848, ClinGen allele CA8881047.

ClinVar aggregate classification (germline): Likely benign. Review status: criteria provided, multiple submitters, no conflicts (2 of 4 stars). 2 submissions from 2 submitters: Likely benign (2). Last evaluated 2024-02-05.

Allele frequency attached by ClinVar (database versions not stated): gnomAD exomes 0.00002; ExAC 0.00003; 1000 Genomes Project 30x 0.00031; 1000 Genomes Project 0.00040.
gnomAD v4.1: 40 of 1,614,076 alleles (0.0025%); highest among the groups gnomAD compares: South Asian, 0.019%; no homozygotes.

Submissions (2):

Blueprint Genetics
Classification: Likely benign. Last evaluated: 2024-02-05. Review status: criteria provided, single submitter. Criteria: ACMG Guidelines, 2015. Collection method: clinical testing. Allele origin: germline.

CeGaT Center for Human Genetics Tuebingen
Classification: Likely benign. Last evaluated: 2023-11-01. Review status: criteria provided, single submitter. Criteria: CeGaT Center For Human Genetics Tuebingen Variant Classification Criteria Version 2. Collection method: clinical testing. Allele origin: germline. Affected: yes. Observed: 1 variant allele.
Comment: LAMA1: BP4, BP7